The following is an entry in ClinVar:

ClinVar aggregate classification (germline): Uncertain significance (1 of 4 stars; one submission).

Submission:

GeneDx
Classification: Uncertain significance. Last evaluated: 2022-11-25. Review status: criteria provided, single submitter. Criteria: GeneDx Variant Classification Process June 2021. Collection method: clinical testing. Allele origin: germline. Affected: yes.
Comment: Not observed at significant frequency in large population cohorts (gnomAD); In-frame insertion of 1 amino acids in a non-repeat region; In silico analysis supports a deleterious effect on protein structure/function; Has not been previously published as pathogenic or benign to our knowledge

NM_000548.5(TSC2):c.2772TGA[3] (p.Asp926_Thr927insAsp)

Gene: TSC2 (TSC complex subunit 2; plus strand). Cytogenetic location: 16p13.3.
Variant type: Microsatellite.
Coding change: c.2772TGA[3] on transcript NM_000548.5 (MANE Select); three copies in a row of the 3-base unit TGA starting at c.2772; the reference has two copies in a row; one copy, 3 bases duplicated; also written c.2775_2777dup.
Protein change: p.Asp926_Thr927insAsp.
Molecular consequence: inframe insertion. On other transcripts: inframe indel (2), non-coding transcript variant (5).
Genome position (GRCh38, 1-based): chr16:2,076,523-2,076,525, TGA duplicated; duplicating any 3 consecutive bases within chr16:2,076,520-2,076,525 gives the same sequence; the position shown is the placement nearest the transcript's 3' end. VCF-style (leftmost placement, unchanged base first): chr16-2076519-T-TTGA. GRCh37 (hg19) VCF-style: chr16-2126520-T-TTGA.
Other names: c.2772_2774TGA[3], p.Asp926_Thr927insAsp (NM_000548.3); c.2772TGA[3], p.Asp926_Thr927insAsp (NM_001077183.3, NM_001114382.3, NM_001363528.2 and 6 more transcripts); c.2661TGA[3], p.Asp889_Thr890insAsp (NM_001318827.2, NM_001406670.1, NM_001406678.1); c.2625TGA[3], p.Asp877_Thr878insAsp (NM_001318829.2, NM_001406675.1, NM_001406676.1 and 1 more transcripts); c.2172TGA[3], p.Asp726_Thr727insAsp (NM_001318831.2, NM_001406680.1, NM_001406682.1 and 6 more transcripts); c.2805TGA[3], p.Asp937_Thr938insAsp (NM_001318832.2); c.2862TGA[3], p.Asp956_Thr957insAsp (NM_001406667.1, NM_001406668.1); c.2760TGA[3], p.Asp922_Thr923insAsp (NM_001406671.1, NM_001406673.1); and 5 more.
Identifiers: ClinVar variation 2503339 (VCV002503339.1), dbSNP rs2543929975, ClinGen allele CA2580612711.
Genomic context (GRCh38, chr16:2,076,519, plus strand): 5'-CCCTCACTGTCTGGGTGTGCTCACTCTGCCAGGGCCTGCGGTCCAATGTCCTCTTGTCTT[T>TTGA]TGATGACACCCCCGAGAAGGACAGCTTCAGGGCCCGGAGTACTAGTCTCAACGAGAGACC-3'